The following is an entry in ClinVar:

NM_001267550.2(TTN):c.64688dup (p.Gln21564fs)

Genes: TTN (titin; minus strand), TTN-AS1 (TTN antisense RNA 1; plus strand). Cytogenetic location: 2q31.2.
Variant type: Duplication.
Coding change: c.64688dup on transcript NM_001267550.2 (MANE Select); coding-DNA position 64688, one base duplicated (C; older notation c.64688dupC).
Protein change: p.Gln21564fs; shifts the reading frame from glutamine 21564.
Molecular consequence: frameshift variant. On other transcripts: non-coding transcript variant (1).
Genome position (GRCh38, 1-based): chr2:178,584,953, G duplicated on the plus strand (C on the coding strand, the reverse complement: TTN is on the minus strand); the first of 6 consecutive G bases (chr2:178,584,953-178,584,958); duplicating any one gives the same sequence. VCF-style (leftmost placement, unchanged base first): chr2-178584952-A-AG. GRCh37 (hg19) VCF-style: chr2-179449679-A-AG.
Other names: c.59765dup, p.Gln19923fs (NM_001256850.1); c.37493dup, p.Gln12499fs (NM_003319.4); c.56984dup, p.Gln18996fs (NM_133378.4); c.37868dup, p.Gln12624fs (NM_133432.3); c.38069dup, p.Gln12691fs (NM_133437.4); c.59765dupC (NM_001256850.1); c.64688dupC (NM_001267550.2); c.37493dupC (NM_003319.4); short protein forms Q12691fs, Q19923fs, Q21564fs, Q12499fs, Q12624fs, Q18996fs.
Identifiers: ClinVar variation 279914 (VCV000279914.15), dbSNP rs774395395, ClinGen allele CA1991855.

ClinVar aggregate classification (germline): Pathogenic/Likely pathogenic. Review status: criteria provided, multiple submitters, no conflicts (2 of 4 stars). 5 submissions from 4 submitters: Pathogenic (1); Likely pathogenic (4). Last evaluated 2026-05-11.

Conditions:
Cardiovascular phenotype. Identifiers: MedGen CN230736.
Dilated cardiomyopathy 1G (CMD1G). Identifiers: Orphanet 154, MedGen C1858763, MONDO:0011400, OMIM 604145.
Autosomal recessive limb-girdle muscular dystrophy type 2J (LGMDR10). Also called: Limb-girdle muscular dystrophy, type 2J; MUSCULAR DYSTROPHY, LIMB-GIRDLE, AUTOSOMAL RECESSIVE 10. Identifiers: Orphanet 140922, MedGen C1837342, MONDO:0012127, OMIM 608807.

Submissions (5):

Ambry Genetics
Classification: Likely pathogenic for Cardiovascular phenotype. Last evaluated: 2026-05-11. Review status: criteria provided, single submitter. Criteria: Ambry Variant Classification Scheme 2023. Collection method: clinical testing. Allele origin: germline.
Comment: The c.37493dupC variant, located in coding exon 137 of the TTN gene, results from a duplication of C at nucleotide position 37493, causing a translational frameshift with a predicted alternate stop codon (p.Q12499Sfs*5). This exon is located in the A-band region of the N2-B isoform of the titin protein and is constitutively expressed in TTN transcripts (percent spliced in or PSI 100%). This variant is expected to result in loss of function by premature protein truncation or nonsense-mediated mRNA decay. While truncating variants in TTN are present in 1-3% of the general population, truncating variants in the A-band are the most common cause of dilated cardiomyopathy (Herman DS et al. N. Engl. J. Med., 2012 Feb;366:619-28; Roberts AM et al. Sci Transl Med, 2015 Jan;7:270ra6). TTN truncating variants encoded in constitutive exons (PSI >90%) have been found to be significantly associated with DCM regardless of their position in titin (Schafer S et al. Nat. Genet., 2017 01;49:46-53; Akhtar MM et al. Circ Heart Fail, 2020 Oct;13:e006832; Massier M et al. Clin Genet, 2025 Jan). This variant is considered to be rare based on population cohorts in the Genome Aggregation Database (gnomAD). Based on the majority of available evidence to date, this variant is likely to be pathogenic.

Labcorp Genetics (formerly Invitae), Labcorp
Classification: Likely pathogenic for Dilated cardiomyopathy 1G; Autosomal recessive limb-girdle muscular dystrophy type 2J. Last evaluated: 2025-12-29. Review status: criteria provided, single submitter. Criteria: Invitae Variant Classification Sherloc (09022015). Collection method: clinical testing. Allele origin: germline.
Comment: This sequence change creates a premature translational stop signal (p.Gln21564Serfs*5) in the TTN gene. While this is not anticipated to result in nonsense mediated decay, it is expected to create a truncated TTN protein. This variant is not present in population databases (gnomAD no frequency). This variant has not been reported in the literature in individuals affected with TTN-related conditions. ClinVar contains an entry for this variant (Variation ID: 279914). This variant is located in the A band of TTN (PMID: 25589632). Truncating variants in this region are significantly overrepresented in patients affected with dilated cardiomyopathy (PMID: 25589632). Truncating variants in this region have also been reported in individuals affected with autosomal recessive centronuclear myopathy (PMID: 23975875). In summary, the currently available evidence indicates that the variant is pathogenic, but additional data are needed to prove that conclusively. Therefore, this variant has been classified as Likely Pathogenic.

Revvity Omics, Revvity
Classification: Likely pathogenic. Last evaluated: 2021-06-21. Review status: criteria provided, single submitter. Criteria: ACMG Guidelines, 2015. Collection method: clinical testing. Allele origin: germline.

GeneDx
Classification: Pathogenic. Last evaluated: 2018-09-05. Review status: criteria provided, single submitter. Criteria: GeneDx Variant Classification (06012015). Collection method: clinical testing. Allele origin: germline. Affected: yes.
Comment: The c.59765dupC pathogenic variant in the TTN gene has not been reported previously as a pathogenic variant or as a benign variant, to our knowledge. This variant causes a shift in reading frame starting at codon glutamine 19923, changing it to a serine, and creating a premature stop codon at position 5 of the new reading frame, denoted p.Gln19923SerfsX5. This pathogenic variant is expected to result in either an abnormal, truncated protein product or loss of protein from this allele through nonsense-mediated mRNA decay. Other truncating TTN variants have been reported in approximately 3% of control alleles (Herman et al., 2012). However, c.59765dupC is located in the A-band region of titin, where the majority of truncating pathogenic variants associated with DCM have been reported (Herman et al., 2012). Furthermore, the c.59765dupC variant is not observed in large population cohorts (Lek et al., 2016). In summary, c.59765dupC in the TTN gene is interpreted as a pathogenic variant.

Labcorp Genetics (formerly Invitae), Labcorp
Classification: Likely pathogenic for Dilated cardiomyopathy 1G. Last evaluated: 2016-08-30. Review status: criteria provided, single submitter. Criteria: Invitae Variant Classification Sherloc (09022015). Collection method: clinical testing. Allele origin: germline.
Comment: This sequence change inserts 1 nucleotide in exon 310 of the TTN mRNA (c.64688dupC), causing a frameshift at codon 21564. This creates a premature translational stop signal (p.Gln21564Serfs*5) and is expected to result in an absent or disrupted protein product. This variant is found in the A-band of this gene. While this particular variant has not been reported in the literature, truncating variants in the A-band of TTN are significantly overrepresented in patients with dilated cardiomyopathy and are considered to be likely pathogenic for the disease (PMID: 25589632). For these reasons, this variant has been classified as Likely Pathogenic.

Literature cited by the submitters: PubMed 25589632 (cited by Labcorp Genetics (formerly Invitae), Labcorp); PubMed 23975875 (cited by Labcorp Genetics (formerly Invitae), Labcorp).